The following is an entry in ClinVar:

ClinVar aggregate classification (germline): Uncertain significance (1 of 4 stars; one submission).

Submission:

Labcorp Genetics (formerly Invitae), Labcorp
Classification: Uncertain significance. Last evaluated: 2023-06-20. Review status: criteria provided, single submitter. Criteria: Invitae Variant Classification Sherloc (09022015). Collection method: clinical testing. Allele origin: germline.
Comment: In summary, the available evidence is currently insufficient to determine the role of this variant in disease. Therefore, it has been classified as a Variant of Uncertain Significance. An algorithm developed to predict the effect of missense changes on protein structure and function (PolyPhen-2) suggests that this variant is likely to be tolerated. This variant has not been reported in the literature in individuals affected with NDUFB9-related conditions. This variant is not present in population databases (gnomAD no frequency). This sequence change replaces tyrosine, which is neutral and polar, with asparagine, which is neutral and polar, at codon 94 of the NDUFB9 protein (p.Tyr94Asn).

NM_005005.3(NDUFB9):c.280T>A (p.Tyr94Asn)

Gene: NDUFB9 (NADH:ubiquinone oxidoreductase subunit B9; plus strand). Cytogenetic location: 8q24.13.
Variant type: single nucleotide variant.
Coding change: c.280T>A on transcript NM_005005.3 (MANE Select); coding-DNA position 280, T replaced by A.
Protein change: p.Tyr94Asn; replaces tyrosine 94 with asparagine.
Molecular consequence: missense variant.
Genome position (GRCh38, 1-based): chr8:124,543,265, T>A. VCF-style: chr8-124543265-T-A. GRCh37 (hg19) VCF-style: chr8-125555506-T-A.
Other names: c.112T>A, p.Tyr38Asn (NM_001278645.2); c.151T>A, p.Tyr51Asn (NM_001278646.2); c.247T>A, p.Tyr83Asn (NM_001311168.2); short protein forms Y51N, Y83N, Y94N, Y38N.
Identifiers: ClinVar variation 2711917 (VCV002711917.3), dbSNP rs548548059, ClinGen allele CA372173360.